The following is an entry in ClinVar:

ClinVar aggregate classification (germline): Uncertain significance (1 of 4 stars; one submission).

gnomAD v4.1: 1 of 1,517,442 alleles (0.000066%); highest among the groups gnomAD compares: East Asian, 0.0023%; no homozygotes.

Submission:

Ambry Genetics
Classification: Uncertain significance. Last evaluated: 2026-08-04. Review status: criteria provided, single submitter. Criteria: Ambry Variant Classification Scheme 2023. Collection method: clinical testing. Allele origin: germline.
Comment: The p.G1456R variant (also known as c.4366G>C), located in coding exon 14 of the CDK12 gene, results from a G to C substitution at nucleotide position 4366. The glycine at codon 1456 is replaced by arginine, an amino acid with dissimilar properties. This amino acid position is conserved. In addition, this alteration is predicted to be tolerated by in silico analysis. Based on the available evidence, the clinical significance of this variant remains unclear.

NM_016507.4(CDK12):c.4366G>C (p.Gly1456Arg)

Gene: CDK12 (cyclin dependent kinase 12; plus strand). Cytogenetic location: 17q12.
Variant type: single nucleotide variant.
Coding change: c.4366G>C on transcript NM_016507.4 (MANE Select); coding-DNA position 4366, G replaced by C.
Protein change: p.Gly1456Arg; replaces glycine 1456 with arginine.
Molecular consequence: missense variant.
Genome position (GRCh38, 1-based): chr17:39,531,209, G>C. VCF-style: chr17-39531209-G-C. GRCh37 (hg19) VCF-style: chr17-37687462-G-C.
Other names: c.4339G>C, p.Gly1447Arg (NM_015083.4); short protein forms G1447R, G1456R.
Identifiers: ClinVar variation 5034135 (VCV005034135.1).